The following is an entry in ClinVar:

NM_001367561.1(DOCK7):c.3152C>T (p.Thr1051Met)

Gene: DOCK7 (dedicator of cytokinesis 7; minus strand). Cytogenetic location: 1p31.3.
Variant type: single nucleotide variant.
Coding change: c.3152C>T on transcript NM_001367561.1 (MANE Select); coding-DNA position 3152, C replaced by T.
Protein change: p.Thr1051Met; replaces threonine 1051 with methionine.
Molecular consequence: missense variant.
Genome position (GRCh38, 1-based): chr1:62,539,786, G>A on the plus strand (C>T on the coding strand, the complement: DOCK7 is on the minus strand). VCF-style: chr1-62539786-G-A. GRCh37 (hg19) VCF-style: chr1-63005457-G-A.
Other names: c.3152C>T, p.Thr1051Met (NM_001271999.2, NM_001330614.2); c.3059C>T, p.Thr1020Met (NM_001272000.2, NM_001272001.2, NM_033407.4); short protein forms T1020M, T1051M.
Identifiers: ClinVar variation 582798 (VCV000582798.44), dbSNP rs757960377, ClinGen allele CA886075.
Genomic context (GRCh38, chr1:62,539,786, plus strand): 5'-ATAAGTGGGGAAAAAGTTATCATTACCTTCTGAAATCGTGAAACTATATCACTAGCAATC[G>A]TGCTGACAAGAGCTGCAATGTCATCCATGAAACGTTCTGGAAAACGACTTTTCCTTGGAG-3'
Protein context (NP_001354490.1, residues 1041-1061): FMDDIAALVS[Thr1051Met]IASDIVSRFQ

ClinVar aggregate classification (germline): Uncertain significance. Review status: criteria provided, multiple submitters, no conflicts (2 of 4 stars). 3 submissions from 3 submitters: Uncertain significance (3). Last evaluated 2023-04-11.

Conditions:
Developmental and epileptic encephalopathy, 23 (DEE23). Also called: Epileptic encephalopathy, early infantile, 23. Identifiers: Orphanet 411986, MedGen C4014492, MONDO:0014371, OMIM 615859.

Allele frequency attached by ClinVar (database versions not stated): gnomAD exomes 0.00002 and 0.00003; TOPMed 0.00002; ExAC 0.00005.
gnomAD v4.1: 32 of 1,613,300 alleles (0.002%); highest among the groups gnomAD compares: South Asian, 0.0044%; 1 homozygote.

Submissions (3):

Genome-Nilou Lab
Classification: Uncertain significance for Developmental and epileptic encephalopathy, 23. Last evaluated: 2023-04-11. Review status: criteria provided, single submitter. Criteria: ACMG Guidelines, 2015. Collection method: clinical testing. Allele origin: germline. Affected: no.

Labcorp Genetics (formerly Invitae), Labcorp
Classification: Uncertain significance for Developmental and epileptic encephalopathy, 23. Last evaluated: 2022-10-17. Review status: criteria provided, single submitter. Criteria: Invitae Variant Classification Sherloc (09022015). Collection method: clinical testing. Allele origin: germline.
Comment: This sequence change replaces threonine, which is neutral and polar, with methionine, which is neutral and non-polar, at codon 1051 of the DOCK7 protein (p.Thr1051Met). This variant is present in population databases (rs757960377, gnomAD 0.006%). This variant has not been reported in the literature in individuals affected with DOCK7-related conditions. ClinVar contains an entry for this variant (Variation ID: 582798). Advanced modeling of protein sequence and biophysical properties (such as structural, functional, and spatial information, amino acid conservation, physicochemical variation, residue mobility, and thermodynamic stability) performed at Invitae indicates that this missense variant is not expected to disrupt DOCK7 protein function. In summary, the available evidence is currently insufficient to determine the role of this variant in disease. Therefore, it has been classified as a Variant of Uncertain Significance.

CeGaT Center for Human Genetics Tuebingen
Classification: Uncertain significance. Last evaluated: 2019-07-01. Review status: criteria provided, single submitter. Criteria: CeGaT Center For Human Genetics Tuebingen Variant Classification Criteria Version 2. Collection method: clinical testing. Allele origin: germline. Affected: yes. Observed: 1 variant allele.